The following is an entry in ClinVar:

NM_153704.6(TMEM67):c.145T>A (p.Cys49Ser)

Gene: TMEM67 (transmembrane protein 67; plus strand). Cytogenetic location: 8q22.1.
Variant type: single nucleotide variant.
Coding change: c.145T>A on transcript NM_153704.6 (MANE Select); coding-DNA position 145, T replaced by A.
Protein change: p.Cys49Ser; replaces cysteine 49 with serine.
Molecular consequence: missense variant. On other transcripts: 5 prime UTR variant (1), non-coding transcript variant (1).
Genome position (GRCh38, 1-based): chr8:93,755,059, T>A. VCF-style: chr8-93755059-T-A. GRCh37 (hg19) VCF-style: chr8-94767287-T-A.
Other names: c.-140T>A (NM_001142301.1); short protein forms C49S.
Identifiers: ClinVar variation 2119103 (VCV002119103.4), dbSNP rs2536753092, ClinGen allele CA371685332.

ClinVar aggregate classification (germline): Uncertain significance (1 of 4 stars; one submission).

Conditions:
Joubert syndrome. Also called: CEREBELLOPARENCHYMAL DISORDER IV; JOUBERT-BOLTSHAUSER SYNDROME; Familial aplasia of the vermis. Identifiers: Orphanet 475, MedGen C5979921, MONDO:0018772.
Meckel-Gruber syndrome. Also called: DYSENCEPHALIA SPLANCHNOCYSTICA; GRUBER SYNDROME; Dysencephalia splachnocystica. Identifiers: Orphanet 564, MedGen C0265215, MONDO:0018921.

Submission:

Labcorp Genetics (formerly Invitae), Labcorp
Classification: Uncertain significance for Joubert syndrome; Meckel-Gruber syndrome. Last evaluated: 2022-04-06. Review status: criteria provided, single submitter. Criteria: Invitae Variant Classification Sherloc (09022015). Collection method: clinical testing. Allele origin: germline.
Comment: This sequence change replaces cysteine, which is neutral and slightly polar, with serine, which is neutral and polar, at codon 49 of the TMEM67 protein (p.Cys49Ser). This variant is not present in population databases (gnomAD no frequency). This variant has not been reported in the literature in individuals affected with TMEM67-related conditions. Advanced modeling of protein sequence and biophysical properties (such as structural, functional, and spatial information, amino acid conservation, physicochemical variation, residue mobility, and thermodynamic stability) performed at Invitae indicates that this missense variant is expected to disrupt TMEM67 protein function. In summary, the available evidence is currently insufficient to determine the role of this variant in disease. Therefore, it has been classified as a Variant of Uncertain Significance.